The following is an entry in ClinVar:

NM_001370.2(DNAH6):c.11430C>T (p.Ile3810=)

Gene: DNAH6 (dynein axonemal heavy chain 6; plus strand). Cytogenetic location: 2p11.2.
Variant type: single nucleotide variant.
Coding change: c.11430C>T on transcript NM_001370.2 (MANE Select); coding-DNA position 11430, C replaced by T.
Protein change: p.Ile3810=; no amino-acid change (isoleucine 3810 retained).
Molecular consequence: synonymous variant.
Genome position (GRCh38, 1-based): chr2:84,797,607, C>T. VCF-style: chr2-84797607-C-T. GRCh37 (hg19) VCF-style: chr2-85024731-C-T.
Identifiers: ClinVar variation 402746 (VCV000402746.8), dbSNP rs1192395, ClinGen allele CA1737784.

ClinVar aggregate classification (germline): Benign. Review status: criteria provided, multiple submitters, no conflicts (2 of 4 stars). 4 submissions from 4 submitters: Benign (3). 1 of the submissions does not count toward it. Last evaluated 2021-05-04.

Conditions:
DNAH6-related disorder. Also called: DNAH6-related condition.

Allele frequency attached by ClinVar (database versions not stated): ExAC 0.11400; ESP Exome Variant Server 0.11892; TOPMed 0.12214; 1000 Genomes Project 0.10423; 1000 Genomes Project 30x 0.10540.
gnomAD v4.1: 193,550 of 1,550,648 alleles (12%); highest among the groups gnomAD compares: Admixed American, 14%; 12,634 homozygotes.

Submissions (4):

GeneDx
Classification: Benign. Last evaluated: 2021-05-04. Review status: criteria provided, single submitter. Criteria: GeneDx Variant Classification Process June 2021. Collection method: clinical testing. Allele origin: germline. Affected: yes.

Laboratory for Molecular Medicine, Mass General Brigham Personalized Medicine
Classification: Benign. Last evaluated: 2016-03-28. Review status: criteria provided, single submitter. Criteria: LMM Criteria. Collection method: clinical testing. Allele origin: germline.
Comment: Variant identified in a genome or exome case(s) and assessed due to predicted null impact of the variant or pathogenic assertions in the literature or databases. Disclaimer: This variant has not undergone full assessment. The following are preliminary notes: Frequency

Breakthrough Genomics
Classification: Benign. Review status: criteria provided, single submitter. Criteria: ACMG Guidelines, 2015. Collection method: not provided. Allele origin: germline. Inheritance: Unknown mechanism. Affected: yes.

PreventionGenetics, part of Exact Sciences
Classification: Benign for DNAH6-related condition. Last evaluated: 2019-10-28. Review status: no assertion criteria provided. Collection method: clinical testing. Allele origin: germline. Not counted in ClinVar's aggregate classification.
Comment: This variant is classified as benign based on ACMG/AMP sequence variant interpretation guidelines (Richards et al. 2015 PMID: 25741868, with internal and published modifications).